The following is an entry in ClinVar:

ClinVar aggregate classification (germline): Pathogenic. Review status: reviewed by expert panel (3 of 4 stars). 3 submissions from 3 submitters: Pathogenic (1). 2 of the submissions do not count toward it. Last evaluated 2017-12-15.

Conditions:
Hereditary cancer-predisposing syndrome. Also called: Tumor predisposition; Hereditary Cancer Syndrome; Hereditary neoplastic syndrome; Neoplastic Syndromes, Hereditary. Identifiers: Orphanet 140162, MedGen C0027672, MeSH D009386, MONDO:0015356.
Breast-ovarian cancer, familial, susceptibility to, 2 (BROVCA2). Also called: BRCA2 Hereditary Breast and Ovarian Cancer. Identifiers: Orphanet 145, MedGen C2675520, MONDO:0012933, OMIM 612555. Disease mechanism: loss of function.

Submissions (3):

Evidence-based Network for the Interpretation of Germline Mutant Alleles (ENIGMA)
Classification: Pathogenic for Breast-ovarian cancer, familial, susceptibility to, 2. Last evaluated: 2017-12-15. Review status: reviewed by expert panel. Criteria: ENIGMA BRCA1/2 Classification Criteria (2017-06-29). Collection method: curation. Allele origin: germline. Study: ENIGMA.
Comment: Variant allele predicted to encode a truncated non-functional protein.

Color Diagnostics, LLC DBA Color Health
Classification: Likely pathogenic for Hereditary cancer-predisposing syndrome. Last evaluated: 2020-07-22. Review status: criteria provided, single submitter. Criteria: ACMG Guidelines, 2015. Collection method: clinical testing. Allele origin: germline. Not counted in ClinVar's aggregate classification.
Comment: This variant deletes 1 nucleotide in exon 26 of the BRCA2 gene, creating a frameshift and premature translation stop signal. This variant is also known as 9816delA in Breast Cancer Information Core (BIC) nomenclature. This variant is expected to result in a defective protein product. While this variant is not predicted to trigger nonsense-mediated decay, it causes the partial loss of the RAD51 binding domain (PMID: 9126738, 9192668) and the nuclear localization signals. Multiple functional studies using murine cells found that similar Brca2 truncation impaired function in and regulation of homology-mediated and high fidelity DNA repair and replication fork protection (PMID: 9699678, 11239455, 11532935, 15800615, 16997331, 21565612). Mice harboring Brca2 variant lacking the last exon also have increased tumor incidence and decreased survival compared to littermates (PMID: 11861370). To our knowledge, this variant has not been reported in individuals affected with hereditary cancer in the literature. This variant has not been identified in the general population by the Genome Aggregation Database (gnomAD). Loss of BRCA2 function is a known mechanism of disease. Based on the available evidence, this variant is classified as Likely Pathogenic.

GeneDx
Classification: Likely pathogenic. Last evaluated: 2016-03-16. Review status: criteria provided, single submitter. Criteria: GeneDx Variant Classification (06012015). Collection method: clinical testing. Allele origin: germline. Affected: yes. Not counted in ClinVar's aggregate classification.
Comment: This deletion of one nucleotide in BRCA2 is denoted c.9588delA at the cDNA level and p.Asp3197ThrfsX20 (D3197TfsX20) at the protein level. Using alternate nomenclature, this variant would be defined as BRCA2 9816delA. The normal sequence, with the base that is deleted in braces, is CTAA[A]GACT. The deletion causes a frameshift which changes an Aspartic Acid to a Threonine at codon 3197, and creates a premature stop codon at position 20 of the new reading frame. Although this variant has not, to our knowledge, been reported in the literature, it is predicted to cause loss of normal protein function through protein truncation. Based on the currently available information, we consider this deletion to be a likely pathogenic variant.

NM_000059.4(BRCA2):c.9588del (p.Asp3197fs)

Gene: BRCA2 (BRCA2 DNA repair associated; plus strand). Cytogenetic location: 13q13.1.
Variant type: Deletion.
Coding change: c.9588del on transcript NM_000059.4 (MANE Select); coding-DNA position 9588, one base deleted (A; older notation c.9588delA).
Protein change: p.Asp3197fs; shifts the reading frame from aspartic acid 3197.
Molecular consequence: frameshift variant.
Genome position (GRCh38, 1-based): chr13:32,396,984, A deleted; the last of 3 consecutive A bases (chr13:32,396,982-32,396,984); deleting any one gives the same sequence. VCF-style (leftmost placement, unchanged base first): chr13-32396981-TA-T. GRCh37 (hg19) VCF-style: chr13-32971118-TA-T.
Other names: c.9588delA (NM_000059.3); short protein forms D3197fs.
Identifiers: ClinVar variation 234902 (VCV000234902.6), dbSNP rs876661285, ClinGen allele CA10577504.
Genomic context (GRCh38, chr13:32,396,981, plus strand): 5'-AGCAGAAAACAAGCTTATGCATATACTGCATGCAAATGATCCCAAGTGGTCCACCCCAAC[TA>T]AAGACTGTACTTCAGGGCCGTACACTGCTCAAATCATTCCTGGTACAGGAAACAAGCTTC-3'